The following is an entry in ClinVar:

NM_144691.4(CAPN12):c.631G>A (p.Val211Met)

Gene: CAPN12 (calpain 12; minus strand). Cytogenetic location: 19q13.2.
Variant type: single nucleotide variant.
Coding change: c.631G>A on transcript NM_144691.4 (MANE Select); coding-DNA position 631, G replaced by A.
Protein change: p.Val211Met; replaces valine 211 with methionine.
Molecular consequence: missense variant.
Genome position (GRCh38, 1-based): chr19:38,740,149, C>T on the plus strand (G>A on the coding strand, the complement: CAPN12 is on the minus strand). VCF-style: chr19-38740149-C-T. GRCh37 (hg19) VCF-style: chr19-39230789-C-T.
Other names: short protein forms V211M.
Identifiers: ClinVar variation 3054441 (VCV003054441.2), dbSNP rs147906486, ClinGen allele CA9419126.

ClinVar aggregate classification (germline): Likely benign (0 of 4 stars; one submission).

Conditions:
CAPN12-related disorder. Also called: CAPN12-related condition.

Allele frequency attached by ClinVar (database versions not stated): ESP Exome Variant Server 0.00046.

Submission:

PreventionGenetics, part of Exact Sciences
Classification: Likely benign for CAPN12-related condition. Last evaluated: 2023-01-05. Review status: no assertion criteria provided. Collection method: clinical testing. Allele origin: germline.
Comment: This variant is classified as likely benign based on ACMG/AMP sequence variant interpretation guidelines (Richards et al. 2015 PMID: 25741868, with internal and published modifications).